The following is an entry in ClinVar:

NM_004655.4(AXIN2):c.1273C>G (p.Leu425Val)

Gene: AXIN2 (axin 2; minus strand). Cytogenetic location: 17q24.1.
Variant type: single nucleotide variant.
Coding change: c.1273C>G on transcript NM_004655.4 (MANE Select); coding-DNA position 1273, C replaced by G.
Protein change: p.Leu425Val; replaces leucine 425 with valine.
Molecular consequence: missense variant.
Genome position (GRCh38, 1-based): chr17:65,537,763, G>C on the plus strand (C>G on the coding strand, the complement: AXIN2 is on the minus strand). VCF-style: chr17-65537763-G-C. GRCh37 (hg19) VCF-style: chr17-63533881-G-C.
Other names: c.1273C>G, p.Leu425Val (NM_001363813.1); short protein forms L425V.
Identifiers: ClinVar variation 1720267 (VCV001720267.6), dbSNP rs746718165, ClinGen allele CA400677837.

ClinVar aggregate classification (germline): Uncertain significance. Review status: criteria provided, multiple submitters, no conflicts (2 of 4 stars). 2 submissions from 2 submitters: Uncertain significance (2). Last evaluated 2024-08-22.

Conditions:
Hereditary cancer-predisposing syndrome. Also called: Hereditary neoplastic syndrome; Neoplastic Syndromes, Hereditary; Hereditary Cancer Syndrome; Tumor predisposition. Identifiers: Orphanet 140162, MedGen C0027672, MeSH D009386, MONDO:0015356.
Oligodontia-cancer predisposition syndrome. Also called: TOOTH AGENESIS-COLORECTAL CANCER SYNDROME. Identifiers: Orphanet 300576, MedGen C1837750, MONDO:0012075, OMIM 608615. Disease mechanism: loss of function.

Submissions (2):

Ambry Genetics
Classification: Uncertain significance for Hereditary cancer-predisposing syndrome. Last evaluated: 2024-08-22. Review status: criteria provided, single submitter. Criteria: Ambry Variant Classification Scheme 2023. Collection method: clinical testing. Allele origin: germline.
Comment: The p.L425V variant (also known as c.1273C>G), located in coding exon 5 of the AXIN2 gene, results from a C to G substitution at nucleotide position 1273. The leucine at codon 425 is replaced by valine, an amino acid with highly similar properties. This amino acid position is conserved. In addition, this alteration is predicted to be tolerated by in silico analysis. Based on the available evidence, the clinical significance of this variant remains unclear.

Labcorp Genetics (formerly Invitae), Labcorp
Classification: Uncertain significance for Oligodontia-cancer predisposition syndrome. Last evaluated: 2022-09-24. Review status: criteria provided, single submitter. Criteria: Invitae Variant Classification Sherloc (09022015). Collection method: clinical testing. Allele origin: germline.
Comment: This variant has not been reported in the literature in individuals affected with AXIN2-related conditions. In summary, the available evidence is currently insufficient to determine the role of this variant in disease. Therefore, it has been classified as a Variant of Uncertain Significance. Advanced modeling of protein sequence and biophysical properties (such as structural, functional, and spatial information, amino acid conservation, physicochemical variation, residue mobility, and thermodynamic stability) performed at Invitae indicates that this missense variant is not expected to disrupt AXIN2 protein function. This variant is not present in population databases (gnomAD no frequency). This sequence change replaces leucine, which is neutral and non-polar, with valine, which is neutral and non-polar, at codon 425 of the AXIN2 protein (p.Leu425Val).